The following is an entry in ClinVar:

NM_002693.3(POLG):c.3482+6C>G

Gene: POLG (DNA polymerase gamma, catalytic subunit; minus strand). Cytogenetic location: 15q26.1.
Variant type: single nucleotide variant.
Coding change: c.3482+6C>G on transcript NM_002693.3 (MANE Select); 6 bases into the intron after coding-DNA position 3482, C replaced by G.
Molecular consequence: intron variant.
Genome position (GRCh38, 1-based): chr15:89,318,535, G>C on the plus strand (C>G on the coding strand, the complement: POLG is on the minus strand). VCF-style: chr15-89318535-G-C. GRCh37 (hg19) VCF-style: chr15-89861766-G-C.
Other names: p.?; c.3482+6C>G (NM_001126131.2).
Identifiers: ClinVar variation 458716 (VCV000458716.11), dbSNP rs55779802, ClinGen allele CA7724136.
Genomic context (GRCh38, chr15:89,318,535, plus strand): 5'-GGAACGCTCACCCAAAGCCCCACATAGGAGCACATGGCCAGGCTAGAGGCCATGGGCCCC[G>C]CATACCTGGTCAAGAGGTTGGTGATCTGCAAGGCCAGGGCAGCGCGGTAGCGGTCCTCCT-3'

ClinVar aggregate classification (germline): Conflicting classifications of pathogenicity. Review status: criteria provided, conflicting classifications (1 of 4 stars). 4 submissions from 4 submitters: Uncertain significance (1); Likely benign (2). 1 of the submissions does not count toward it. Last evaluated 2025-02-04.

Conditions:
POLG-related disorder. Also called: POLG-Related Spectrum Disorders; POLG-related condition; POLG-Related Disorders. Identifiers: MedGen C4763519.
Progressive sclerosing poliodystrophy (MTDPS4A). Also called: Alpers Syndrome; ALPERS DIFFUSE DEGENERATION OF CEREBRAL GRAY MATTER WITH HEPATIC CIRRHOSIS; Alpers-Huttenlocher Syndrome; Mitochondrial DNA depletion syndrome 4A (Alpers type); Mitochondrial DNA Depletion Syndrome 4A; Alpers-Huttenlocher Syndrome (AHS). Identifiers: Orphanet 726, MedGen C0205710, MONDO:0008758, OMIM 203700.

Allele frequency attached by ClinVar (database versions not stated): TOPMed 0.00015; 1000 Genomes Project 30x 0.00016.
gnomAD v4.1: 41 of 1,611,862 alleles (0.0025%); highest among the groups gnomAD compares: East Asian, 0.085%; no homozygotes.

Submissions (4):

Mayo Clinic Laboratories, Mayo Clinic
Classification: Likely benign. Last evaluated: 2025-02-04. Review status: criteria provided, single submitter. Criteria: ACMG Guidelines, 2015. Collection method: clinical testing. Allele origin: germline. Observed: 1 variant allele.
Comment: BP4, BP7

Labcorp Genetics (formerly Invitae), Labcorp
Classification: Uncertain significance for Progressive sclerosing poliodystrophy. Last evaluated: 2024-10-23. Review status: criteria provided, single submitter. Criteria: Invitae Variant Classification Sherloc (09022015). Collection method: clinical testing. Allele origin: germline.
Comment: This sequence change falls in intron 21 of the POLG gene. It does not directly change the encoded amino acid sequence of the POLG protein. It affects a nucleotide within the consensus splice site. This variant is present in population databases (rs55779802, gnomAD 0.09%). This variant has been observed in individual(s) with clinical features of POLG-related conditions (PMID: 33278787). ClinVar contains an entry for this variant (Variation ID: 458716). Variants that disrupt the consensus splice site are a relatively common cause of aberrant splicing (PMID: 17576681, 9536098). Algorithms developed to predict the effect of sequence changes on RNA splicing suggest that this variant is not likely to affect RNA splicing. In summary, the available evidence is currently insufficient to determine the role of this variant in disease. Therefore, it has been classified as a Variant of Uncertain Significance.

Blueprint Genetics
Classification: Likely benign. Last evaluated: 2024-04-09. Review status: criteria provided, single submitter. Criteria: ACMG Guidelines, 2015. Collection method: clinical testing. Allele origin: germline.

PreventionGenetics, part of Exact Sciences
Classification: Likely benign for POLG-related condition. Last evaluated: 2019-08-09. Review status: no assertion criteria provided. Collection method: clinical testing. Allele origin: germline. Not counted in ClinVar's aggregate classification.
Comment: This variant is classified as likely benign based on ACMG/AMP sequence variant interpretation guidelines (Richards et al. 2015 PMID: 25741868, with internal and published modifications).

Literature cited by the submitters: PubMed 33278787 (cited by Mayo Clinic Laboratories, Mayo Clinic and Labcorp Genetics (formerly Invitae), Labcorp); PubMed 17576681 (cited by Labcorp Genetics (formerly Invitae), Labcorp); PubMed 9536098 (cited by Labcorp Genetics (formerly Invitae), Labcorp).